The following is an entry in ClinVar:

ClinVar aggregate classification (germline): Likely benign (0 of 4 stars; one submission).

Conditions:
HDAC4-related disorder. Also called: HDAC4-related condition.

Submission:

PreventionGenetics, part of Exact Sciences
Classification: Likely benign for HDAC4-related condition. Last evaluated: 2022-10-17. Review status: no assertion criteria provided. Collection method: clinical testing. Allele origin: germline.
Comment: This variant is classified as likely benign based on ACMG/AMP sequence variant interpretation guidelines (Richards et al. 2015 PMID: 25741868, with internal and published modifications).

NM_001378414.1(HDAC4):c.490+92_490+126del

Gene: HDAC4 (histone deacetylase 4; minus strand). Cytogenetic location: 2q37.3.
Variant type: Deletion.
Coding change: c.490+92_490+126del on transcript NM_001378414.1 (MANE Select); bases 92 to 126 of the intron after coding-DNA position 490, 35 bases deleted.
Molecular consequence: intron variant.
Genome position (GRCh38, 1-based): chr2:239,176,287-239,176,321, 35 bases deleted; deleting any 35 consecutive bases within chr2:239,176,287-239,176,322 gives the same sequence; the c. name uses the placement nearest the transcript's 3' end. GRCh37 (hg19): chr2:240,097,984-240,098,018.
Other names: c.490+92_490+126del (NM_001378417.1, NM_001378415.1, NM_001378416.1 and 1 more transcripts).
Identifiers: ClinVar variation 3043297 (VCV003043297.2), dbSNP rs561273270, ClinGen allele CA68041123.